The following is an entry in ClinVar:

ClinVar aggregate classification (germline): Uncertain significance. Review status: criteria provided, multiple submitters, no conflicts (2 of 4 stars). 2 submissions from 2 submitters: Uncertain significance (2). Last evaluated 2022-02-09.

Conditions:
Dilated cardiomyopathy 1O (CMD1O). Also called: CARDIOMYOPATHY, DILATED, WITH VENTRICULAR TACHYCARDIA. Identifiers: Orphanet 154, MedGen C1837839, MONDO:0012062, OMIM 608569.
Hypertrichotic osteochondrodysplasia Cantu type. Also called: Cantu Syndrome; Cantú Syndrome. Identifiers: Orphanet 1517, MedGen C0795905, MONDO:0009406, OMIM 239850.
Atrial fibrillation, familial, 12 (ATFB12). Identifiers: MedGen C3279695, MONDO:0013545, OMIM 614050.
Intellectual disability and myopathy syndrome (IDMYS). Identifiers: MedGen C5676904, MONDO:0859224, OMIM 619719.

Allele frequency attached by ClinVar (database versions not stated): gnomAD exomes below 0.00001 and 0.00001; TOPMed below 0.00001; ExAC 0.00001.

Submissions (2):

Labcorp Genetics (formerly Invitae), Labcorp
Classification: Uncertain significance for Dilated cardiomyopathy 1O. Last evaluated: 2022-02-09. Review status: criteria provided, single submitter. Criteria: Invitae Variant Classification Sherloc (09022015). Collection method: clinical testing. Allele origin: germline.
Comment: This sequence change replaces leucine, which is neutral and non-polar, with phenylalanine, which is neutral and non-polar, at codon 383 of the ABCC9 protein (p.Leu383Phe). This variant is present in population databases (rs755542764, gnomAD 0.002%). This variant has not been reported in the literature in individuals affected with ABCC9-related conditions. Algorithms developed to predict the effect of missense changes on protein structure and function are either unavailable or do not agree on the potential impact of this missense change (SIFT: "Deleterious"; PolyPhen-2: "Benign"; Align-GVGD: "Class C0"). In summary, the available evidence is currently insufficient to determine the role of this variant in disease. Therefore, it has been classified as a Variant of Uncertain Significance.

Fulgent Genetics
Classification: Uncertain significance for Hypertrichotic osteochondrodysplasia Cantu type; Dilated cardiomyopathy 1O; Atrial fibrillation, familial, 12; Intellectual disability and myopathy syndrome. Last evaluated: 2021-09-06. Review status: criteria provided, single submitter. Criteria: ACMG Guidelines, 2015. Collection method: clinical testing. Allele origin: unknown.

NM_020297.4(ABCC9):c.1147C>T (p.Leu383Phe)

Gene: ABCC9 (ATP binding cassette subfamily C member 9; minus strand). Cytogenetic location: 12p12.1.
Variant type: single nucleotide variant.
Coding change: c.1147C>T on transcript NM_020297.4 (MANE Select); coding-DNA position 1147, C replaced by T.
Protein change: p.Leu383Phe; replaces leucine 383 with phenylalanine.
Molecular consequence: missense variant.
Genome position (GRCh38, 1-based): chr12:21,910,843, G>A on the plus strand (C>T on the coding strand, the complement: ABCC9 is on the minus strand). VCF-style: chr12-21910843-G-A. GRCh37 (hg19) VCF-style: chr12-22063777-G-A.
Other names: c.1147C>T, p.Leu383Phe (NM_001377273.1, NM_005691.4); c.283C>T, p.Leu95Phe (NM_001377274.1); short protein forms L95F, L383F.
Identifiers: ClinVar variation 1475938 (VCV001475938.7), dbSNP rs755542764, ClinGen allele CA6481728.